The following is an entry in ClinVar:

ClinVar aggregate classification (germline): no classifications from unflagged records (0 of 4 stars; one submission).

Conditions:
Tip-toe gait. Also called: Toe walking. Identifiers: MedGen C0427144, HP:0030051.

Allele frequency attached by ClinVar (database versions not stated): gnomAD 0.00001; gnomAD exomes below 0.00001.

Submission:

Practice for Gait Abnormalities, David Pomarino, Competency Network Toe Walking C/o Practice Pomarino
Classification: Likely pathogenic for Tip-toe gait. Last evaluated: 2022-10-25. Review status: flagged submission. Collection method: clinical testing. Allele origin: germline. Affected: yes.
Comment: Hereditary motor sensory neuropathy (HMSN), also known as Charcot-Marie-Tooth Disease (CMT), is the most commonly inherited peripheral polyneuropathy. It constitutes a group of inherited, progressive, motor and sensory peripheral nerve disorders with properties of demyelination, axonal degeneration, or both. It is classified by clinical characteristics, modes of inheritance, electrophysiologic features, metabolic defects, and specific gene markers. Our patients all walk on tiptoe, so they show similar symptoms. When we genetically test them with our toe walking panel, we find that around 90 per cent of them have a genetic variant that explains their toe walking. These can be assigned, for example, to the area of myopathies (such as variants of the COL6A3 gene), the area of hereditary neuropathies (such as variants of the KMT2C gene) or the area of metabolic diseases (such as variants of the PYGM gene). In a smaller group of patients with almost identical symptoms, no abnormality is found in the genes of our panel, but spastic paraplegia can be detected. In another small group of our toe walkers, no abnormalities can be detected in the genes analysed in our toe walking panel, nor do they suffer from spastic paraplegia, as is also the case with healthy children. In contrast to these, however, they show a tiptoe gait. These patients suffer from infantile cerebral palsy, in which toe walking can also be observed.
ClinVar note: Notes: This gene has insufficient supporting evidence for isolated Tip-Toe Gait.
ClinVar note: Reason: Claim with insufficient supporting evidence

Literature cited by the submitters: PubMed 37091313.

NM_000263.4(NAGLU):c.1355A>C (p.Glu452Ala)

Gene: NAGLU (N-acetyl-alpha-glucosaminidase; plus strand). Cytogenetic location: 17q21.2.
Variant type: single nucleotide variant.
Coding change: c.1355A>C on transcript NM_000263.4 (MANE Select); coding-DNA position 1355, A replaced by C.
Protein change: p.Glu452Ala; replaces glutamic acid 452 with alanine.
Molecular consequence: missense variant.
Genome position (GRCh38, 1-based): chr17:42,543,361, A>C. VCF-style: chr17-42543361-A-C. GRCh37 (hg19) VCF-style: chr17-40695379-A-C.
Other names: short protein forms E452A.
Identifiers: ClinVar variation 2574636 (VCV002574636.2), dbSNP rs1173485017, ClinGen allele CA399602016.